The following is an entry in ClinVar:

ClinVar aggregate classification (germline): Uncertain significance (1 of 4 stars; one submission).

Conditions:
Developmental and epileptic encephalopathy, 1 (DEE1). Also called: X-linked infantile spasms; West's syndrome; Tonic spasms with clustering, arrest of psychomotor development and hypsarrhythmia on EEG; X-Linked Infantile Spasm Syndrome; OHTAHARA SYNDROME, X-LINKED; INFANTILE SPASM SYNDROME, X-LINKED 1. Identifiers: MedGen C3463992, MONDO:0010632, OMIM 308350. Disease mechanism: loss of function.
Intellectual disability, X-linked, with or without seizures, ARX-related. Also called: INTELLECTUAL DEVELOPMENTAL DISORDER, X-LINKED 29; MENTAL RETARDATION, X-LINKED 29; MENTAL RETARDATION, X-LINKED 32; MENTAL RETARDATION, X-LINKED 33; MENTAL RETARDATION, X-LINKED 38; MENTAL RETARDATION, X-LINKED 43. Identifiers: Orphanet 777, MedGen C0796244, MONDO:0010317, OMIM 300419.

Submission:

Labcorp Genetics (formerly Invitae), Labcorp
Classification: Uncertain significance for Developmental and epileptic encephalopathy, 1; Intellectual disability, X-linked, with or without seizures, ARX-related. Last evaluated: 2024-01-12. Review status: criteria provided, single submitter. Criteria: Invitae Variant Classification Sherloc (09022015). Collection method: clinical testing. Allele origin: germline.
Comment: This sequence change replaces alanine, which is neutral and non-polar, with valine, which is neutral and non-polar, at codon 104 of the ARX protein (p.Ala104Val). The frequency data for this variant in the population databases is considered unreliable, as metrics indicate insufficient coverage at this position in the gnomAD database. This variant has not been reported in the literature in individuals affected with ARX-related conditions. Advanced modeling of protein sequence and biophysical properties (such as structural, functional, and spatial information, amino acid conservation, physicochemical variation, residue mobility, and thermodynamic stability) performed at Invitae indicates that this missense variant is not expected to disrupt ARX protein function with a negative predictive value of 95%. In summary, the available evidence is currently insufficient to determine the role of this variant in disease. Therefore, it has been classified as a Variant of Uncertain Significance.

NM_139058.3(ARX):c.311C>T (p.Ala104Val)

Genes: ARX (aristaless related homeobox; minus strand), LOC109610631 (aristaless related homeobox polyalanine expansion region; plus strand). Cytogenetic location: Xp21.3.
Variant type: single nucleotide variant.
Coding change: c.311C>T on transcript NM_139058.3 (MANE Select); coding-DNA position 311, C replaced by T.
Protein change: p.Ala104Val; replaces alanine 104 with valine.
Molecular consequence: missense variant.
Genome position (GRCh38, 1-based): chrX:25,013,684, G>A on the plus strand (C>T on the coding strand, the complement: ARX is on the minus strand). VCF-style: chrX-25013684-G-A. GRCh37 (hg19) VCF-style: chrX-25031801-G-A.
Other names: short protein forms A104V.
Identifiers: ClinVar variation 2922158 (VCV002922158.3), dbSNP rs2519107741, ClinGen allele CA412613436.